The following is an entry in ClinVar:

NM_001035.3(RYR2):c.1483A>T (p.Ile495Phe)

Gene: RYR2 (ryanodine receptor 2; plus strand). Cytogenetic location: 1q43.
Variant type: single nucleotide variant.
Coding change: c.1483A>T on transcript NM_001035.3 (MANE Select); coding-DNA position 1483, A replaced by T.
Protein change: p.Ile495Phe; replaces isoleucine 495 with phenylalanine.
Molecular consequence: missense variant.
Genome position (GRCh38, 1-based): chr1:237,456,606, A>T. VCF-style: chr1-237456606-A-T. GRCh37 (hg19) VCF-style: chr1-237619906-A-T.
Other names: short protein forms I495F.
Identifiers: ClinVar variation 2839734 (VCV002839734.3), dbSNP rs1348064411, ClinGen allele CA345381218.
Genomic context (GRCh38, chr1:237,456,606, plus strand): 5'-AGAATGACAGTTTTGGATGTCTGATTGTGATTTTTTTTTTTTTTAACGTTCCAGGGAATG[A>T]TCAACCTCGTGCTTGAGTGCATAGACCGTTTGCACGTCTACAGCAGTGCAGCACACTTTG-3'
Protein context (NP_001026.2, residues 485-505): RQNLFQEEGM[Ile495Phe]NLVLECIDRL

ClinVar aggregate classification (germline): Uncertain significance (1 of 4 stars; one submission).

Conditions:
Catecholaminergic polymorphic ventricular tachycardia 1. Also called: VENTRICULAR TACHYCARDIA, CATECHOLAMINERGIC POLYMORPHIC, 1, WITH OR WITHOUT ATRIAL DYSFUNCTION AND/OR DILATED CARDIOMYOPATHY; VENTRICULAR TACHYCARDIA, STRESS-INDUCED POLYMORPHIC 1; RYR2-Related Catecholaminergic Polymorphic Ventricular Tachycardia. Identifiers: Orphanet 3286, MedGen C1631597, MONDO:0011484, OMIM 604772.

Submission:

Labcorp Genetics (formerly Invitae), Labcorp
Classification: Uncertain significance for Catecholaminergic polymorphic ventricular tachycardia 1. Last evaluated: 2023-02-22. Review status: criteria provided, single submitter. Criteria: Invitae Variant Classification Sherloc (09022015). Collection method: clinical testing. Allele origin: germline.
Comment: This sequence change replaces isoleucine, which is neutral and non-polar, with phenylalanine, which is neutral and non-polar, at codon 495 of the RYR2 protein (p.Ile495Phe). This variant is not present in population databases (gnomAD no frequency). This variant has not been reported in the literature in individuals affected with RYR2-related conditions. Advanced modeling of protein sequence and biophysical properties (such as structural, functional, and spatial information, amino acid conservation, physicochemical variation, residue mobility, and thermodynamic stability) performed at Invitae indicates that this missense variant is expected to disrupt RYR2 protein function. In summary, the available evidence is currently insufficient to determine the role of this variant in disease. Therefore, it has been classified as a Variant of Uncertain Significance.